The following is an entry in ClinVar:

ClinVar aggregate classification (germline): Uncertain significance (1 of 4 stars; one submission).

Allele frequency attached by ClinVar (database versions not stated): gnomAD exomes below 0.00001; ExAC 0.00001.
gnomAD v4.1: 4 of 1,609,482 alleles (0.00025%); highest among the groups gnomAD compares: Non-Finnish European, 0.00034%; no homozygotes.

Submission:

Labcorp Genetics (formerly Invitae), Labcorp
Classification: Uncertain significance. Last evaluated: 2025-02-11. Review status: criteria provided, single submitter. Criteria: Invitae Variant Classification Sherloc (09022015). Collection method: clinical testing. Allele origin: germline.
Comment: This sequence change replaces glycine, which is neutral and non-polar, with cysteine, which is neutral and slightly polar, at codon 1176 of the SLC12A2 protein (p.Gly1176Cys). The frequency data for this variant in the population databases is considered unreliable, as metrics indicate poor data quality at this position in the gnomAD database. This variant has not been reported in the literature in individuals affected with SLC12A2-related conditions. ClinVar contains an entry for this variant (Variation ID: 2730806). Invitae Evidence Modeling of protein sequence and biophysical properties (such as structural, functional, and spatial information, amino acid conservation, physicochemical variation, residue mobility, and thermodynamic stability) indicates that this missense variant is expected to disrupt SLC12A2 protein function with a positive predictive value of 80%. In summary, the available evidence is currently insufficient to determine the role of this variant in disease. Therefore, it has been classified as a Variant of Uncertain Significance.

NM_001046.3(SLC12A2):c.3526G>T (p.Gly1176Cys)

Gene: SLC12A2 (solute carrier family 12 member 2; plus strand). Cytogenetic location: 5q23.3.
Variant type: single nucleotide variant.
Coding change: c.3526G>T on transcript NM_001046.3 (MANE Select); coding-DNA position 3526, G replaced by T.
Protein change: p.Gly1176Cys; replaces glycine 1176 with cysteine.
Molecular consequence: missense variant. On other transcripts: non-coding transcript variant (1).
Genome position (GRCh38, 1-based): chr5:128,186,518, G>T. VCF-style: chr5-128186518-G-T. GRCh37 (hg19) VCF-style: chr5-127522210-G-T.
Other names: c.3478G>T, p.Gly1160Cys (NM_001256461.2); short protein forms G1176C, G1160C.
Identifiers: ClinVar variation 2730806 (VCV002730806.3), dbSNP rs776190301, ClinGen allele CA3393732.